The following is an entry in ClinVar:

ClinVar aggregate classification (germline): Uncertain significance (1 of 4 stars; one submission).

Conditions:
Hypertrophic cardiomyopathy. Also called: HYPERTROPHIC MYOCARDIOPATHY. Identifiers: Orphanet 217569, MedGen C0007194, MeSH D002312, MONDO:0005045, HP:0001639.

Submission:

Labcorp Genetics (formerly Invitae), Labcorp
Classification: Uncertain significance for Hypertrophic cardiomyopathy. Last evaluated: 2022-03-10. Review status: criteria provided, single submitter. Criteria: Invitae Variant Classification Sherloc (09022015). Collection method: clinical testing. Allele origin: germline.
Comment: This variant is a gross deletion of the genomic region encompassing exon(s) 32-40 of the MYH7 gene, which includes the termination codon. This deletion extends beyond the assayed region for this gene and therefore may encompass additional genes. While this deletion is not anticipated to lead to nonsense mediated decay, it is expected to alter mRNA translation or result in a truncated protein product. This variant has not been reported in the literature in individuals affected with MYH7-related conditions. In summary, the available evidence is currently insufficient to determine the role of this variant in disease. Therefore, it has been classified as a Variant of Uncertain Significance.

NC_000014.8:g.(?_23857344)_(23886547_?)del

Genes: MIR208A (microRNA 208a; minus strand), MYH6 (myosin heavy chain 6; minus strand), MYH7 (myosin heavy chain 7; minus strand). Cytogenetic location: 14q11.2.
Variant type: Deletion.
Identifiers: ClinVar variation 2422698 (VCV002422698.3).